The following is an entry in ClinVar:

ClinVar aggregate classification (germline): Uncertain significance. Review status: criteria provided, multiple submitters, no conflicts (2 of 4 stars). 2 submissions from 2 submitters: Uncertain significance (2). Last evaluated 2025-04-03.

Conditions:
Inborn genetic diseases. Identifiers: MedGen C0950123, MeSH D030342.

Allele frequency attached by ClinVar (database versions not stated): ESP Exome Variant Server 0.00016; gnomAD 0.00015; 1000 Genomes Project 30x 0.00016; gnomAD exomes 0.00032; ExAC 0.00013; TOPMed 0.00018; 1000 Genomes Project 0.00020.
gnomAD v4.1: 483 of 1,614,208 alleles (0.03%); highest among the groups gnomAD compares: Non-Finnish European, 0.038%; 1 homozygote.

Submissions (2):

GeneDx
Classification: Uncertain significance. Last evaluated: 2025-04-03. Review status: criteria provided, single submitter. Criteria: GeneDx Variant Classification Process June 2021. Collection method: clinical testing. Allele origin: germline. Affected: yes.
Comment: In silico analysis indicates that this missense variant does not alter protein structure/function; Has not been previously published as pathogenic or benign to our knowledge

Ambry Genetics
Classification: Uncertain significance for Inborn genetic diseases. Last evaluated: 2024-05-16. Review status: criteria provided, single submitter. Criteria: Ambry Variant Classification Scheme 2023. Collection method: clinical testing. Allele origin: germline.

NM_001379659.1(ZNF142):c.5368G>A (p.Ala1790Thr)

Gene: ZNF142 (zinc finger protein 142; minus strand). Cytogenetic location: 2q35.
Variant type: single nucleotide variant.
Coding change: c.5368G>A on transcript NM_001379659.1 (MANE Select); coding-DNA position 5368, G replaced by A.
Protein change: p.Ala1790Thr; replaces alanine 1790 with threonine.
Molecular consequence: missense variant.
Genome position (GRCh38, 1-based): chr2:218,638,635, C>T on the plus strand (G>A on the coding strand, the complement: ZNF142 is on the minus strand). VCF-style: chr2-218638635-C-T. GRCh37 (hg19) VCF-style: chr2-219503358-C-T.
Other names: c.4279G>A, p.Ala1427Thr (NM_001366287.3, NM_001366288.3, NM_001366289.3); c.5368G>A, p.Ala1790Thr (NM_001366290.3, NM_001379660.1, NM_001379661.1); c.4768G>A, p.Ala1590Thr (NM_001366291.3, NM_001379662.1, NM_001105537.5); short protein forms A1790T, A1427T, A1590T.
Identifiers: ClinVar variation 2342550 (VCV002342550.4), dbSNP rs183954984, ClinGen allele CA2108534.